The following is an entry in ClinVar:

ClinVar aggregate classification (germline): Uncertain significance (1 of 4 stars; one submission).

Submission:

Labcorp Genetics (formerly Invitae), Labcorp
Classification: Uncertain significance. Last evaluated: 2022-03-28. Review status: criteria provided, single submitter. Criteria: Invitae Variant Classification Sherloc (09022015). Collection method: clinical testing. Allele origin: germline.
Comment: In summary, the available evidence is currently insufficient to determine the role of this variant in disease. Therefore, it has been classified as a Variant of Uncertain Significance. Algorithms developed to predict the effect of missense changes on protein structure and function (SIFT, PolyPhen-2, Align-GVGD) all suggest that this variant is likely to be disruptive. This variant has not been reported in the literature in individuals affected with BLOC1S3-related conditions. This variant is not present in population databases (gnomAD no frequency). This sequence change replaces leucine, which is neutral and non-polar, with glutamine, which is neutral and polar, at codon 80 of the BLOC1S3 protein (p.Leu80Gln).

NM_212550.5(BLOC1S3):c.239T>A (p.Leu80Gln)

Gene: BLOC1S3 (biogenesis of lysosomal organelles complex 1 subunit 3; plus strand). Cytogenetic location: 19q13.32.
Variant type: single nucleotide variant.
Coding change: c.239T>A on transcript NM_212550.5 (MANE Select); coding-DNA position 239, T replaced by A.
Protein change: p.Leu80Gln; replaces leucine 80 with glutamine.
Molecular consequence: missense variant.
Genome position (GRCh38, 1-based): chr19:45,179,535, T>A. VCF-style: chr19-45179535-T-A. GRCh37 (hg19) VCF-style: chr19-45682793-T-A.
Other names: short protein forms L80Q.
Identifiers: ClinVar variation 2110122 (VCV002110122.4), dbSNP rs2513837634, ClinGen allele CA406344416.